The following is an entry in ClinVar:

NM_000824.5(GLRB):c.371del (p.Gly124fs)

Gene: GLRB (glycine receptor beta; plus strand). Cytogenetic location: 4q32.1.
Variant type: Deletion.
Coding change: c.371del on transcript NM_000824.5 (MANE Select); coding-DNA position 371, one base deleted (G; older notation c.371delG).
Protein change: p.Gly124fs; shifts the reading frame from glycine 124.
Molecular consequence: frameshift variant.
Genome position (GRCh38, 1-based): chr4:157,136,542, G deleted; the last of 4 consecutive G bases (chr4:157,136,539-157,136,542); deleting any one gives the same sequence. VCF-style (leftmost placement, unchanged base first): chr4-157136538-AG-A. GRCh37 (hg19) VCF-style: chr4-158057690-AG-A.
Other names: c.371del, p.Gly124fs (NM_001166060.2, NM_001166061.2); short protein forms G124fs.
Identifiers: ClinVar variation 1459343 (VCV001459343.6), dbSNP rs2126566107, ClinGen allele CA2573138152.
Genomic context (GRCh38, chr4:157,136,538, plus strand): 5'-GTTAACATCTTCCTGAGACAAAAATGGAATGACCCCAGGCTGAAGCTCCCCAGTGATTTT[AG>A]GGGTTCAGATGCACTGACAGTGGATCCAACAATGTACAAGTGTTTATGGAAACCTGATTT-3'

ClinVar aggregate classification (germline): Pathogenic (1 of 4 stars; one submission).

Conditions:
Hyperekplexia 2 (HKPX2). Identifiers: Orphanet 3197, MedGen C3553291, MONDO:0013828, OMIM 614619.

Submission:

Labcorp Genetics (formerly Invitae), Labcorp
Classification: Pathogenic for Hyperekplexia 2. Last evaluated: 2022-12-20. Review status: criteria provided, single submitter. Criteria: Invitae Variant Classification Sherloc (09022015). Collection method: clinical testing. Allele origin: germline.
Comment: This sequence change creates a premature translational stop signal (p.Gly124Valfs*5) in the GLRB gene. It is expected to result in an absent or disrupted protein product. Loss-of-function variants in GLRB are known to be pathogenic (PMID: 23182654, 23184146). For these reasons, this variant has been classified as Pathogenic. ClinVar contains an entry for this variant (Variation ID: 1459343). This variant has not been reported in the literature in individuals affected with GLRB-related conditions. This variant is not present in population databases (gnomAD no frequency).

Literature cited by the submitters: PubMed 23182654; PubMed 23184146.